The following is an entry in ClinVar:

ClinVar aggregate classification (germline): Uncertain significance (1 of 4 stars; one submission).

Conditions:
Alstrom syndrome (ALMS). Identifiers: Orphanet 64, MedGen C0268425, MONDO:0008763, OMIM 203800.

Allele frequency attached by ClinVar (database versions not stated): gnomAD exomes below 0.00001.
gnomAD v4.1: 2 of 1,614,078 alleles (0.00012%); highest among the groups gnomAD compares: Non-Finnish European, 0.00017%; no homozygotes.

Submission:

Labcorp Genetics (formerly Invitae), Labcorp
Classification: Uncertain significance for Alstrom syndrome. Last evaluated: 2022-02-28. Review status: criteria provided, single submitter. Criteria: Invitae Variant Classification Sherloc (09022015). Collection method: clinical testing. Allele origin: germline.
Comment: This sequence change replaces serine, which is neutral and polar, with leucine, which is neutral and non-polar, at codon 957 of the ALMS1 protein (p.Ser957Leu). This variant is not present in population databases (gnomAD no frequency). This variant has not been reported in the literature in individuals affected with ALMS1-related conditions. Experimental studies and prediction algorithms are not available or were not evaluated, and the functional significance of this variant is currently unknown. In summary, the available evidence is currently insufficient to determine the role of this variant in disease. Therefore, it has been classified as a Variant of Uncertain Significance.

NM_001378454.1(ALMS1):c.2867C>T (p.Ser956Leu)

Gene: ALMS1 (ALMS1 centrosome and basal body associated protein; plus strand). Cytogenetic location: 2p13.1.
Variant type: single nucleotide variant.
Coding change: c.2867C>T on transcript NM_001378454.1 (MANE Select); coding-DNA position 2867, C replaced by T.
Protein change: p.Ser956Leu; replaces serine 956 with leucine.
Molecular consequence: missense variant.
Genome position (GRCh38, 1-based): chr2:73,449,394, C>T. VCF-style: chr2-73449394-C-T. GRCh37 (hg19) VCF-style: chr2-73676521-C-T.
Other names: c.2870C>T, p.Ser957Leu (NM_015120.4); short protein forms S957L, S956L.
Identifiers: ClinVar variation 2145123 (VCV002145123.1), dbSNP rs1572933168, ClinGen allele CA347272589.